The following is an entry in ClinVar:

NM_022042.4(SLC26A1):c.1288C>G (p.Leu430Val)

Genes: IDUA (alpha-L-iduronidase; plus strand), SLC26A1 (solute carrier family 26 member 1; minus strand). Cytogenetic location: 4p16.3.
Variant type: single nucleotide variant.
Coding change: c.1288C>G on transcript NM_022042.4 (MANE Select); coding-DNA position 1288, C replaced by G.
Protein change: p.Leu430Val; replaces leucine 430 with valine.
Molecular consequence: missense variant. On other transcripts: intron variant (2).
Genome position (GRCh38, 1-based): chr4:989,651, G>C on the plus strand (C>G on the coding strand, the complement: SLC26A1 is on the minus strand). VCF-style: chr4-989651-G-C. GRCh37 (hg19) VCF-style: chr4-983439-G-C.
Other names: c.1288C>G, p.Leu430Val (NM_213613.4); c.576+1477C>G (NM_134425.4); c.299+1702G>C (NM_000203.5); short protein forms L430V.
Identifiers: ClinVar variation 1722172 (VCV001722172.5), dbSNP rs906946507, ClinGen allele CA355951923.

ClinVar aggregate classification (germline): Uncertain significance (1 of 4 stars; one submission).

Allele frequency attached by ClinVar (database versions not stated): gnomAD exomes below 0.00001.
gnomAD v4.1: 1 of 1,589,428 alleles (0.000063%); highest among the groups gnomAD compares: African/African-American, 0.0013%; no homozygotes.

Submission:

Labcorp Genetics (formerly Invitae), Labcorp
Classification: Uncertain significance. Last evaluated: 2022-10-26. Review status: criteria provided, single submitter. Criteria: Invitae Variant Classification Sherloc (09022015). Collection method: clinical testing. Allele origin: germline.
Comment: This sequence change replaces leucine, which is neutral and non-polar, with valine, which is neutral and non-polar, at codon 430 of the SLC26A1 protein (p.Leu430Val). This variant is not present in population databases (gnomAD no frequency). This variant has not been reported in the literature in individuals affected with SLC26A1-related conditions. Advanced modeling of protein sequence and biophysical properties (such as structural, functional, and spatial information, amino acid conservation, physicochemical variation, residue mobility, and thermodynamic stability) performed at Invitae indicates that this missense variant is not expected to disrupt SLC26A1 protein function. In summary, the available evidence is currently insufficient to determine the role of this variant in disease. Therefore, it has been classified as a Variant of Uncertain Significance.